The following is an entry in ClinVar:

ClinVar aggregate classification (germline): Uncertain significance (1 of 4 stars; one submission).

Submission:

CeGaT Center for Human Genetics Tuebingen
Classification: Uncertain significance. Last evaluated: 2022-04-01. Review status: criteria provided, single submitter. Criteria: CeGaT Center For Human Genetics Tuebingen Variant Classification Criteria Version 2. Collection method: clinical testing. Allele origin: germline. Affected: yes. Observed: 1 variant allele.
Comment: STARD9: PM2

NM_020759.3(STARD9):c.12638_12639del (p.Thr4213fs)

Gene: STARD9 (StAR related lipid transfer domain containing 9; plus strand). Cytogenetic location: 15q15.2.
Variant type: Microsatellite.
Coding change: c.12638_12639del on transcript NM_020759.3 (MANE Select); coding-DNA positions 12638 to 12639, 2 bases deleted (CA; older notation c.12638_12639delCA).
Protein change: p.Thr4213fs; shifts the reading frame from threonine 4213.
Molecular consequence: frameshift variant.
Genome position (GRCh38, 1-based): chr15:42,694,216-42,694,217, CA deleted; deleting any 2 consecutive bases within chr15:42,694,214-42,694,217 gives the same sequence; the c. name uses the placement nearest the transcript's 3' end. VCF-style (leftmost placement, unchanged base first): chr15-42694213-TCA-T. GRCh37 (hg19) VCF-style: chr15-42986411-TCA-T.
Other names: short protein forms T4213fs.
Identifiers: ClinVar variation 2645250 (VCV002645250.24), dbSNP rs2505907279, ClinGen allele CA2628062191.